The following is an entry in ClinVar:

NM_001735.3(C5):c.734A>G (p.Asn245Ser)

Gene: C5 (complement C5; minus strand). Cytogenetic location: 9q33.2.
Variant type: single nucleotide variant.
Coding change: c.734A>G on transcript NM_001735.3 (MANE Select); coding-DNA position 734, A replaced by G.
Protein change: p.Asn245Ser; replaces asparagine 245 with serine.
Molecular consequence: missense variant.
Genome position (GRCh38, 1-based): chr9:121,030,421, T>C on the plus strand (A>G on the coding strand, the complement: C5 is on the minus strand). VCF-style: chr9-121030421-T-C. GRCh37 (hg19) VCF-style: chr9-123792699-T-C.
Other names: c.752A>G, p.Asn251Ser (NM_001317163.2); c.734A>G, p.Asn245Ser (NM_001317164.2); short protein forms N251S, N245S.
Identifiers: ClinVar variation 2199891 (VCV002199891.2), dbSNP rs201354178, ClinGen allele CA5218296.

ClinVar aggregate classification (germline): Uncertain significance (1 of 4 stars; one submission).

Allele frequency attached by ClinVar (database versions not stated): gnomAD exomes below 0.00001; TOPMed 0.00001; gnomAD 0.00003; ExAC 0.00014; 1000 Genomes Project 30x 0.00047; 1000 Genomes Project 0.00060.
gnomAD v4.1: 15 of 1,520,660 alleles (0.00099%); highest among the groups gnomAD compares: East Asian, 0.022%; no homozygotes.

Submission:

Labcorp Genetics (formerly Invitae), Labcorp
Classification: Uncertain significance. Last evaluated: 2023-11-28. Review status: criteria provided, single submitter. Criteria: Invitae Variant Classification Sherloc (09022015). Collection method: clinical testing. Allele origin: germline.
Comment: This sequence change replaces asparagine, which is neutral and polar, with serine, which is neutral and polar, at codon 245 of the C5 protein (p.Asn245Ser). This variant is present in population databases (rs201354178, gnomAD 0.07%). This variant has not been reported in the literature in individuals affected with C5-related conditions. ClinVar contains an entry for this variant (Variation ID: 2199891). Advanced modeling of protein sequence and biophysical properties (such as structural, functional, and spatial information, amino acid conservation, physicochemical variation, residue mobility, and thermodynamic stability) performed at Invitae indicates that this missense variant is not expected to disrupt C5 protein function with a negative predictive value of 80%. In summary, the available evidence is currently insufficient to determine the role of this variant in disease. Therefore, it has been classified as a Variant of Uncertain Significance.